The following is an entry in ClinVar:

ClinVar aggregate classification (germline): Pathogenic (1 of 4 stars; one submission).

Submission:

Labcorp Genetics (formerly Invitae), Labcorp
Classification: Pathogenic. Last evaluated: 2023-07-25. Review status: criteria provided, single submitter. Criteria: Invitae Variant Classification Sherloc (09022015). Collection method: clinical testing. Allele origin: germline.
Comment: This variant has not been reported in the literature in individuals affected with CHRNG-related conditions. For these reasons, this variant has been classified as Pathogenic. This variant is not present in population databases (gnomAD no frequency). This sequence change creates a premature translational stop signal (p.Ile145Serfs*45) in the CHRNG gene. It is expected to result in an absent or disrupted protein product. Loss-of-function variants in CHRNG are known to be pathogenic (PMID: 16826520).

Literature cited by the submitters: PubMed 16826520.

NM_005199.5(CHRNG):c.412_431dup (p.Ile145fs)

Gene: CHRNG (cholinergic receptor nicotinic gamma subunit; plus strand). Cytogenetic location: 2q37.1.
Variant type: Duplication.
Coding change: c.412_431dup on transcript NM_005199.5 (MANE Select); coding-DNA positions 412 to 431, 20 bases duplicated (ATCTACTGGCTGCCGCCTGC).
Protein change: p.Ile145fs; shifts the reading frame from isoleucine 145.
Molecular consequence: frameshift variant.
Genome position (GRCh38, 1-based): chr2:232,541,435-232,541,454, ATCTACTGGCTGCCGCCTGC duplicated. VCF-style (leftmost placement, unchanged base first): chr2-232541434-T-TATCTACTGGCTGCCGCCTGC. GRCh37 (hg19) VCF-style: chr2-233406144-T-TATCTACTGGCTGCCGCCTGC.
Other names: short protein forms I145fs.
Identifiers: ClinVar variation 2890488 (VCV002890488.3), dbSNP rs2469748448, ClinGen allele CA2739279082.